The following is an entry in ClinVar:

ClinVar aggregate classification (germline): Uncertain significance. Review status: criteria provided, multiple submitters, no conflicts (2 of 4 stars). 2 submissions from 2 submitters: Uncertain significance (2). Last evaluated 2025-04-21.

Conditions:
Immunodeficiency 25. Also called: Immunodeficiency due to defect in cd3-zeta, somatic. Identifiers: MedGen C1857798, MONDO:0012426, OMIM 610163.

Allele frequency attached by ClinVar (database versions not stated): TOPMed 0.00002; gnomAD 0.00002; gnomAD exomes 0.00003 and 0.00005; ExAC 0.00006.

Submissions (2):

Ambry Genetics
Classification: Uncertain significance. Last evaluated: 2025-04-21. Review status: criteria provided, single submitter. Criteria: Ambry Variant Classification Scheme 2023. Collection method: clinical testing. Allele origin: germline.

Labcorp Genetics (formerly Invitae), Labcorp
Classification: Uncertain significance for Immunodeficiency 25. Last evaluated: 2021-08-24. Review status: criteria provided, single submitter. Criteria: Invitae Variant Classification Sherloc (09022015). Collection method: clinical testing. Allele origin: germline.
Comment: This sequence change replaces arginine with cysteine at codon 132 of the CD247 protein (p.Arg132Cys). The arginine residue is highly conserved and there is a large physicochemical difference between arginine and cysteine. This variant is present in population databases (rs781510519, ExAC 0.02%). This variant has not been reported in the literature in individuals affected with CD247-related conditions. Algorithms developed to predict the effect of missense changes on protein structure and function (SIFT, PolyPhen-2, Align-GVGD) all suggest that this variant is likely to be disruptive. In summary, the available evidence is currently insufficient to determine the role of this variant in disease. Therefore, it has been classified as a Variant of Uncertain Significance.

NM_198053.3(CD247):c.394C>T (p.Arg132Cys)

Gene: CD247 (CD247 molecule; minus strand). Cytogenetic location: 1q24.2.
Variant type: single nucleotide variant.
Coding change: c.394C>T on transcript NM_198053.3 (MANE Select); coding-DNA position 394, C replaced by T.
Protein change: p.Arg132Cys; replaces arginine 132 with cysteine.
Molecular consequence: missense variant.
Genome position (GRCh38, 1-based): chr1:167,433,059, G>A on the plus strand (C>T on the coding strand, the complement: CD247 is on the minus strand). VCF-style: chr1-167433059-G-A. GRCh37 (hg19) VCF-style: chr1-167402296-G-A.
Other names: c.391C>T, p.Arg131Cys (NM_000734.4); c.487C>T, p.Arg163Cys (NM_001378515.1); c.484C>T, p.Arg162Cys (NM_001378516.1); short protein forms R132C, R131C, R162C, R163C.
Identifiers: ClinVar variation 575904 (VCV000575904.4), dbSNP rs781510519, ClinGen allele CA1225903.
Genomic context (GRCh38, chr1:167,433,059, plus strand): 5'-CTGAAGGGACGCCGGCAGCTCCTACCTGGTAAAGGCCATCGTGCCCCTTGCCCCTCCGGC[G>A]CTGGTTGTTTGGGAGTGAAATGAGAAAAGGATTAGAAAGTCAGGCAGTCAGTAGTGGCAT-3'
Protein context (NP_932170.1, residues 122-142): AYSEIGMKGE[Arg132Cys]RRGKGHDGLY